The following is an entry in ClinVar:

ClinVar aggregate classification (germline): Benign/Likely benign. Review status: criteria provided, multiple submitters, no conflicts (2 of 4 stars). 4 submissions from 4 submitters: Benign (3); Likely benign (1). Last evaluated 2025-12-30.

Allele frequency attached by ClinVar (database versions not stated): 1000 Genomes Project 0.00339; ESP Exome Variant Server 0.00478; TOPMed 0.00518; 1000 Genomes Project 30x 0.00359.
gnomAD v4.1: 1,290 of 1,609,464 alleles (0.08%); highest among the groups gnomAD compares: African/African-American, 1.5%; 11 homozygotes.

Submissions (4):

Labcorp Genetics (formerly Invitae), Labcorp
Classification: Benign. Last evaluated: 2025-12-30. Review status: criteria provided, single submitter. Criteria: Invitae Variant Classification Sherloc (09022015). Collection method: clinical testing. Allele origin: germline.

GeneDx
Classification: Likely benign. Last evaluated: 2022-02-08. Review status: criteria provided, single submitter. Criteria: GeneDx Variant Classification Process June 2021. Collection method: clinical testing. Allele origin: germline. Affected: yes.
Comment: See Variant Classification Assertion Criteria.

Athena Diagnostics
Classification: Benign. Last evaluated: 2017-10-25. Review status: criteria provided, single submitter. Criteria: Athena Diagnostics Criteria. Collection method: clinical testing. Allele origin: germline.

Breakthrough Genomics
Classification: Benign. Review status: criteria provided, single submitter. Criteria: ACMG Guidelines, 2015. Collection method: not provided. Allele origin: germline. Inheritance: Autosomal recessive inheritance. Affected: yes.

NM_006946.4(SPTBN2):c.3057T>A (p.Thr1019=)

Gene: SPTBN2 (spectrin beta, non-erythrocytic 2; minus strand). Cytogenetic location: 11q13.2.
Variant type: single nucleotide variant.
Coding change: c.3057T>A on transcript NM_006946.4 (MANE Select); coding-DNA position 3057, T replaced by A.
Protein change: p.Thr1019=; no amino-acid change (threonine 1019 retained).
Molecular consequence: synonymous variant.
Genome position (GRCh38, 1-based): chr11:66,701,042, A>T on the plus strand (T>A on the coding strand, the complement: SPTBN2 is on the minus strand). VCF-style: chr11-66701042-A-T. GRCh37 (hg19) VCF-style: chr11-66468513-A-T.
Identifiers: ClinVar variation 586474 (VCV000586474.12), dbSNP rs141552726, ClinGen allele CA6128945.